The following is an entry in ClinVar:

ClinVar aggregate classification (germline): Uncertain significance (1 of 4 stars; one submission).

Submission:

Labcorp Genetics (formerly Invitae), Labcorp
Classification: Uncertain significance. Last evaluated: 2022-05-22. Review status: criteria provided, single submitter. Criteria: Invitae Variant Classification Sherloc (09022015). Collection method: clinical testing. Allele origin: germline.
Comment: In summary, the available evidence is currently insufficient to determine the role of this variant in disease. Therefore, it has been classified as a Variant of Uncertain Significance. Algorithms developed to predict the effect of missense changes on protein structure and function are either unavailable or do not agree on the potential impact of this missense change (SIFT: "Deleterious"; PolyPhen-2: "Possibly Damaging"; Align-GVGD: "Class C0"). This variant has not been reported in the literature in individuals affected with ATR-related conditions. This variant is not present in population databases (gnomAD no frequency). This sequence change replaces asparagine, which is neutral and polar, with histidine, which is basic and polar, at codon 1032 of the ATR protein (p.Asn1032His).

NM_001184.4(ATR):c.3094A>C (p.Asn1032His)

Gene: ATR (ATR checkpoint kinase; minus strand). Cytogenetic location: 3q23.
Variant type: single nucleotide variant.
Coding change: c.3094A>C on transcript NM_001184.4 (MANE Select); coding-DNA position 3094, A replaced by C.
Protein change: p.Asn1032His; replaces asparagine 1032 with histidine.
Molecular consequence: missense variant.
Genome position (GRCh38, 1-based): chr3:142,549,556, T>G on the plus strand (A>C on the coding strand, the complement: ATR is on the minus strand). VCF-style: chr3-142549556-T-G. GRCh37 (hg19) VCF-style: chr3-142268398-T-G.
Other names: c.2902A>C, p.Asn968His (NM_001354579.2); short protein forms N1032H, N968H.
Identifiers: ClinVar variation 1997948 (VCV001997948.4), dbSNP rs2473363848, ClinGen allele CA354812358.